The following is an entry in ClinVar:

ClinVar aggregate classification (germline): Uncertain significance. Review status: criteria provided, multiple submitters, no conflicts (2 of 4 stars). 2 submissions from 2 submitters: Uncertain significance (2). Last evaluated 2025-09-10.

Conditions:
Neurofibromatosis, type 1 (NF1). Also called: VON RECKLINGHAUSEN DISEASE; NEUROFIBROMATOSIS, TYPE I, SOMATIC; Neurofibromatosis, type I; Peripheral type neurofibromatosis. Identifiers: Orphanet 636, MedGen C0027831, MONDO:0018975, OMIM 162200. Disease mechanism: loss of function.

Submissions (2):

Genomic Medicine Center of Excellence, King Faisal Specialist Hospital and Research Centre
Classification: Uncertain significance for Neurofibromatosis, type 1. Last evaluated: 2025-09-10. Review status: criteria provided, single submitter. Criteria: ACMG Guidelines, 2015. Collection method: clinical testing. Allele origin: germline.

Labcorp Genetics (formerly Invitae), Labcorp
Classification: Uncertain significance for Neurofibromatosis, type 1. Last evaluated: 2023-01-31. Review status: criteria provided, single submitter. Criteria: Invitae Variant Classification Sherloc (09022015). Collection method: clinical testing. Allele origin: germline.
Comment: Advanced modeling of protein sequence and biophysical properties (such as structural, functional, and spatial information, amino acid conservation, physicochemical variation, residue mobility, and thermodynamic stability) performed at Invitae indicates that this missense variant is expected to disrupt NF1 protein function. In summary, the available evidence is currently insufficient to determine the role of this variant in disease. Therefore, it has been classified as a Variant of Uncertain Significance. This variant has not been reported in the literature in individuals affected with NF1-related conditions. This variant is not present in population databases (gnomAD no frequency). This sequence change replaces threonine, which is neutral and polar, with proline, which is neutral and non-polar, at codon 964 of the NF1 protein (p.Thr964Pro).

NM_001042492.3(NF1):c.2890A>C (p.Thr964Pro)

Gene: NF1 (neurofibromin 1; plus strand). Cytogenetic location: 17q11.2.
Variant type: single nucleotide variant.
Coding change: c.2890A>C on transcript NM_001042492.3 (MANE Select); coding-DNA position 2890, A replaced by C.
Protein change: p.Thr964Pro; replaces threonine 964 with proline.
Molecular consequence: missense variant.
Genome position (GRCh38, 1-based): chr17:31,229,874, A>C. VCF-style: chr17-31229874-A-C. GRCh37 (hg19) VCF-style: chr17-29556892-A-C.
Other names: c.2890A>C, p.Thr964Pro (NM_000267.4); short protein forms T964P.
Identifiers: ClinVar variation 2833073 (VCV002833073.4), dbSNP rs2151430585, ClinGen allele CA398986090.